The following is an entry in ClinVar:

NM_001814.6(CTSC):c.952G>A (p.Glu318Lys)

Gene: CTSC (cathepsin C; minus strand). Cytogenetic location: 11q14.2.
Variant type: single nucleotide variant.
Coding change: c.952G>A on transcript NM_001814.6 (MANE Select); coding-DNA position 952, G replaced by A.
Protein change: p.Glu318Lys; replaces glutamic acid 318 with lysine.
Molecular consequence: missense variant.
Genome position (GRCh38, 1-based): chr11:88,294,446, C>T on the plus strand (G>A on the coding strand, the complement: CTSC is on the minus strand). VCF-style: chr11-88294446-C-T. GRCh37 (hg19) VCF-style: chr11-88027614-C-T.
Other names: short protein forms E318K.
Identifiers: ClinVar variation 2010369 (VCV002010369.4), dbSNP rs2496529946, ClinGen allele CA382022208.

ClinVar aggregate classification (germline): Uncertain significance (1 of 4 stars; one submission).

Conditions:
Periodontitis, aggressive. Identifiers: MedGen C0031106, MONDO:0980757.
Haim-Munk syndrome (HMS). Also called: COCHIN JEWISH DISORDER; KERATOSIS PALMOPLANTARIS WITH PERIODONTOPATHIA AND ONYCHOGRYPOSIS. Identifiers: Orphanet 2342, MedGen C1855627, MONDO:0009491, OMIM 245010.
Papillon-Lefèvre syndrome (PALS). Also called: KERATOSIS PALMOPLANTARIS WITH PERIODONTOPATHIA; Papillon-Lefevre Disease. Identifiers: Orphanet 678, MedGen C0030360, MONDO:0009490, OMIM 245000.

Submission:

Labcorp Genetics (formerly Invitae), Labcorp
Classification: Uncertain significance for Haim-Munk syndrome; Periodontitis, aggressive; Papillon-Lefèvre syndrome. Last evaluated: 2024-12-16. Review status: criteria provided, single submitter. Criteria: Invitae Variant Classification Sherloc (09022015). Collection method: clinical testing. Allele origin: germline.
Comment: This sequence change replaces glutamic acid, which is acidic and polar, with lysine, which is basic and polar, at codon 318 of the CTSC protein (p.Glu318Lys). This variant is not present in population databases (gnomAD no frequency). This variant has not been reported in the literature in individuals affected with CTSC-related conditions. ClinVar contains an entry for this variant (Variation ID: 2010369). Invitae Evidence Modeling of protein sequence and biophysical properties (such as structural, functional, and spatial information, amino acid conservation, physicochemical variation, residue mobility, and thermodynamic stability) has been performed for this missense variant. However, the output from this modeling did not meet the statistical confidence thresholds required to predict the impact of this variant on CTSC protein function. In summary, the available evidence is currently insufficient to determine the role of this variant in disease. Therefore, it has been classified as a Variant of Uncertain Significance.